The following is an entry in ClinVar:

NM_022124.6(CDH23):c.8425C>T (p.Arg2809Cys)

Gene: CDH23 (cadherin related 23; plus strand). Cytogenetic location: 10q22.1.
Variant type: single nucleotide variant.
Coding change: c.8425C>T on transcript NM_022124.6 (MANE Select); coding-DNA position 8425, C replaced by T.
Protein change: p.Arg2809Cys; replaces arginine 2809 with cysteine.
Molecular consequence: missense variant.
Genome position (GRCh38, 1-based): chr10:71,807,632, C>T. VCF-style: chr10-71807632-C-T. GRCh37 (hg19) VCF-style: chr10-73567389-C-T.
Other names: c.8425C>T (NM_022124.5); c.1705C>T, p.Arg569Cys (NM_001171933.1, NM_001171934.1); short protein forms R2809C, R569C.
Identifiers: ClinVar variation 990953 (VCV000990953.7), dbSNP rs777428282, ClinGen allele CA5546649.

ClinVar aggregate classification (germline): Uncertain significance. Review status: criteria provided, multiple submitters, no conflicts (2 of 4 stars). 3 submissions from 3 submitters: Uncertain significance (2). 1 of the submissions does not count toward it. Last evaluated 2024-03-19.

Conditions:
Inborn genetic diseases. Identifiers: MedGen C0950123, MeSH D030342.
Usher syndrome type 1 (USH1). Also called: RETINITIS PIGMENTOSA AND CONGENITAL DEAFNESS. Identifiers: Orphanet 231169, Orphanet 886, MedGen C1568247, MONDO:0010168, OMIM 276900.

Allele frequency attached by ClinVar (database versions not stated): gnomAD 0.00001; TOPMed 0.00001; gnomAD exomes 0.00002; ExAC 0.00003.
gnomAD v4.1: 24 of 1,613,862 alleles (0.0015%); highest among the groups gnomAD compares: East Asian, 0.0022%; no homozygotes.

Submissions (3):

Ambry Genetics
Classification: Uncertain significance for Inborn genetic diseases. Last evaluated: 2024-03-19. Review status: criteria provided, single submitter. Criteria: Ambry Variant Classification Scheme 2023. Collection method: clinical testing. Allele origin: germline.

Labcorp Genetics (formerly Invitae), Labcorp
Classification: Uncertain significance. Last evaluated: 2022-03-10. Review status: criteria provided, single submitter. Criteria: Invitae Variant Classification Sherloc (09022015). Collection method: clinical testing. Allele origin: germline.
Comment: This sequence change replaces arginine, which is basic and polar, with cysteine, which is neutral and slightly polar, at codon 2809 of the CDH23 protein (p.Arg2809Cys). This variant is present in population databases (rs777428282, gnomAD 0.006%). This variant has not been reported in the literature in individuals affected with CDH23-related conditions. ClinVar contains an entry for this variant (Variation ID: 990953). Algorithms developed to predict the effect of missense changes on protein structure and function are either unavailable or do not agree on the potential impact of this missense change (SIFT: "Deleterious"; PolyPhen-2: "Not Available"; Align-GVGD: "Class C0"). In summary, the available evidence is currently insufficient to determine the role of this variant in disease. Therefore, it has been classified as a Variant of Uncertain Significance.

Natera, Inc.
Classification: Uncertain significance for Usher syndrome type 1. Last evaluated: 2020-04-17. Review status: no assertion criteria provided. Collection method: clinical testing. Allele origin: germline. Not counted in ClinVar's aggregate classification.